The following is an entry in ClinVar:

ClinVar aggregate classification (germline): Pathogenic (1 of 4 stars; one submission).

Conditions:
Breast-ovarian cancer, familial, susceptibility to, 2 (BROVCA2). Also called: BRCA2 Hereditary Breast and Ovarian Cancer. Identifiers: Orphanet 145, MedGen C2675520, MONDO:0012933, OMIM 612555. Disease mechanism: loss of function.

Submission:

Myriad Genetics, Inc.
Classification: Pathogenic for Breast-ovarian cancer, familial, susceptibility to, 2. Last evaluated: 2026-05-05. Review status: criteria provided, single submitter. Criteria: Myriad Autosomal Dominant, Autosomal Recessive and X-Linked Classification Criteria (2023). Collection method: clinical testing. Allele origin: unknown.
Comment: This variant is considered pathogenic. This variant creates a frameshift predicted to result in premature protein truncation.

NM_000059.4(BRCA2):c.233dup (p.Ile79fs)

Gene: BRCA2 (BRCA2 DNA repair associated; plus strand). Cytogenetic location: 13q13.1.
Variant type: Duplication.
Coding change: c.233dup on transcript NM_000059.4 (MANE Select); coding-DNA position 233, one base duplicated (C; older notation c.233dupC).
Protein change: p.Ile79fs; shifts the reading frame from isoleucine 79.
Molecular consequence: frameshift variant. On other transcripts: 5 prime UTR variant (1), non-coding transcript variant (1).
Genome position (GRCh38, 1-based): chr13:32,319,242, C duplicated; the last of 2 consecutive C bases (chr13:32,319,241-32,319,242); duplicating either gives the same sequence. VCF-style (leftmost placement, unchanged base first): chr13-32319240-T-TC. GRCh37 (hg19) VCF-style: chr13-32893377-T-TC.
Other names: c.233dup, p.Ile79fs (NM_001406721.1, NM_001432077.1, NM_001406719.1 and 1 more transcripts); c.-137dup (NM_001406722.1); short protein forms I79fs.
Identifiers: ClinVar variation 4876034 (VCV004876034.1).
Genomic context (GRCh38, chr13:32,319,240, plus strand): 5'-CGAACCAAACCTATTTAAAACTCCACAAAGGAAACCATCTTATAATCAGCTGGCTTCAAC[T>TC]CCAATAATATTCAAAGAGCAAGGGCTGACTCTGCCGCTGTACCAATCTCCTGTAAAAGAA-3'